The following is an entry in ClinVar:

NM_002516.4(NOVA2):c.1124G>C (p.Gly375Ala)

Gene: NOVA2 (NOVA alternative splicing regulator 2; minus strand). Cytogenetic location: 19q13.32.
Variant type: single nucleotide variant.
Coding change: c.1124G>C on transcript NM_002516.4 (MANE Select); coding-DNA position 1124, G replaced by C.
Protein change: p.Gly375Ala; replaces glycine 375 with alanine.
Molecular consequence: missense variant.
Genome position (GRCh38, 1-based): chr19:45,940,218, C>G on the plus strand (G>C on the coding strand, the complement: NOVA2 is on the minus strand). VCF-style: chr19-45940218-C-G. GRCh37 (hg19) VCF-style: chr19-46443476-C-G.
Other names: short protein forms G375A.
Identifiers: ClinVar variation 4084291 (VCV004084291.8).

ClinVar aggregate classification (germline): Likely benign (1 of 4 stars; one submission).

gnomAD v4.1: 628 of 1,129,778 alleles (0.056%); highest among the groups gnomAD compares: African/African-American, 0.97%; 4 homozygotes.

Submission:

CeGaT Center for Human Genetics Tuebingen
Classification: Likely benign. Last evaluated: 2025-09-01. Review status: criteria provided, single submitter. Criteria: CeGaT Center For Human Genetics Tuebingen Variant Classification Criteria Version 2. Collection method: clinical testing. Allele origin: germline. Affected: yes. Observed: 2 variant alleles.
Comment: NOVA2: PP2, BS1